The following is an entry in ClinVar:

ClinVar aggregate classification (germline): Pathogenic/Likely pathogenic. Review status: criteria provided, multiple submitters, no conflicts (2 of 4 stars). 8 submissions from 8 submitters: Pathogenic (6); Likely pathogenic (1). 1 of the submissions does not count toward it. Last evaluated 2026-04-02.

Conditions:
Fibrosis, neurodegeneration, and cerebral angiomatosis. Also called: Fibrosis-neurodegeneration-cerebral angiomatosis syndrome. Identifiers: Orphanet 621758, MedGen C4748939, MONDO:0032651, OMIM 618278.
NHLRC2-related disorder. Also called: NHLRC2-related condition.

Allele frequency attached by ClinVar (database versions not stated): ESP Exome Variant Server 0.00008; TOPMed 0.00010; gnomAD exomes 0.00021 and 0.00041; gnomAD 0.00045 and 0.00044; ExAC 0.00035.
gnomAD v4.1: 372 of 1,613,800 alleles (0.023%); highest among the groups gnomAD compares: South Asian, 0.024%; no homozygotes.

Submissions (9):

Greenwood Genetic Center Diagnostic Laboratories, Greenwood Genetic Center
Classification: Pathogenic for Fibrosis, neurodegeneration, and cerebral angiomatosis. Last evaluated: 2026-04-02. Review status: criteria provided, single submitter. Criteria: ACMG Guidelines, 2015. Collection method: clinical testing. Allele origin: germline. Affected: yes.
Comment: PS3, PM3_Very Strong, PP3

Revvity Omics, Revvity
Classification: Pathogenic for Fibrosis, neurodegeneration, and cerebral angiomatosis. Last evaluated: 2025-05-21. Review status: criteria provided, single submitter. Criteria: ACMG Guidelines, 2015. Collection method: clinical testing. Allele origin: germline.

PreventionGenetics, part of Exact Sciences
Classification: Likely pathogenic for NHLRC2-related condition. Last evaluated: 2024-12-03. Review status: criteria provided, single submitter. Criteria: ACMG Guidelines, 2015. Collection method: clinical testing. Allele origin: germline.
Comment: The NHLRC2 c.442G>T variant is predicted to result in the amino acid substitution p.Asp148Tyr. This variant was reported in homozygous and compound heterozygous state in multiple individuals with FINCA syndrome (Uusimaa et al. 2018. PubMed ID: 29423877; Sczakiel et al. 2023. PubMed ID: 37188825). This variant is reported in 0.31% of alleles in individuals of European (Finnish) descent in gnomAD. This variant is interpreted as likely pathogenic.

Blueprint Genetics
Classification: Pathogenic for NHLRC2-related disorders. Last evaluated: 2024-10-18. Review status: criteria provided, single submitter. Criteria: ACMG Guidelines, 2015. Collection method: clinical testing. Allele origin: germline. Affected: yes. Observed: 5 variant alleles.

GeneDx
Classification: Pathogenic. Last evaluated: 2023-05-16. Review status: criteria provided, single submitter. Criteria: GeneDx Variant Classification Process June 2021. Collection method: clinical testing. Allele origin: germline. Affected: yes.
Comment: Published functional studies demonstrate a loss of NHLRC2 protein function in fibroblasts of patients with the D148Y variant (Uusimaa et al., 2018); In silico analysis supports that this missense variant has a deleterious effect on protein structure/function; This variant is associated with the following publications: (PMID: 35255187, 29302074, 30138417, 32435055, 30239752, 34165204, 29423877, 35887114, 37179546)

Institute for Clinical Genetics, University Hospital TU Dresden, University Hospital TU Dresden
Classification: Pathogenic. Last evaluated: 2021-11-03. Review status: criteria provided, single submitter. Criteria: ACMG Guidelines, 2015. Collection method: clinical testing. Allele origin: germline.

Institute for Medical Genetics and Human Genetics, Charité - Universitätsmedizin Berlin
Classification: Pathogenic for Fibrosis, neurodegeneration, and cerebral angiomatosis. Review status: criteria provided, single submitter. Criteria: ACMG Assertion Criteria. Collection method: research. Allele origin: germline. Inheritance: Autosomal recessive inheritance. Affected: yes.

OMIM
Classification: Pathogenic for FIBROSIS, NEURODEGENERATION, AND CEREBRAL ANGIOMATOSIS. Last evaluated: 2023-06-21. Review status: no assertion criteria provided. Collection method: literature only. Allele origin: germline. Not counted in ClinVar's aggregate classification.

Dr. Peter K. Rogan Lab, Western University
No classification provided (evidence only). Condition: Melanoma. Review status: no classification provided. Collection method: in vitro. Allele origin: not applicable. Functional consequence: retained intron. Not counted in ClinVar's aggregate classification.

Literature cited by the submitters: PubMed 29423877 (cited by OMIM); PubMed 30239752 (cited by OMIM); PubMed 30138417 (cited by OMIM); PubMed 32435055 (cited by OMIM); PubMed 34165204 (cited by OMIM); PubMed 37188825 (cited by OMIM).

NM_198514.4(NHLRC2):c.442G>T (p.Asp148Tyr)

Gene: NHLRC2 (NHL repeat containing 2; plus strand). Cytogenetic location: 10q25.3.
Variant type: single nucleotide variant.
Coding change: c.442G>T on transcript NM_198514.4 (MANE Select); coding-DNA position 442, G replaced by T.
Protein change: p.Asp148Tyr; replaces aspartic acid 148 with tyrosine.
Molecular consequence: missense variant.
Genome position (GRCh38, 1-based): chr10:113,876,631, G>T. VCF-style: chr10-113876631-G-T. GRCh37 (hg19) VCF-style: chr10-115636390-G-T.
Other names: NHLRC2, ASP148TYR (rs201701259); NC_000010.10:g.115636390G>T; c.442G>T (NM_198514.3); short protein forms D148Y.
Identifiers: ClinVar variation 599377 (VCV000599377.14), dbSNP rs201701259, ClinGen allele CA5697783.